The following is an entry in ClinVar:

NM_001080449.3(DNA2):c.1466A>G (p.Lys489Arg)

Gene: DNA2 (DNA replication helicase/nuclease 2; minus strand). Cytogenetic location: 10q21.3.
Variant type: single nucleotide variant.
Coding change: c.1466A>G on transcript NM_001080449.3 (MANE Select); coding-DNA position 1466, A replaced by G.
Protein change: p.Lys489Arg; replaces lysine 489 with arginine.
Molecular consequence: missense variant. On other transcripts: non-coding transcript variant (1).
Genome position (GRCh38, 1-based): chr10:68,437,191, T>C on the plus strand (A>G on the coding strand, the complement: DNA2 is on the minus strand). VCF-style: chr10-68437191-T-C. GRCh37 (hg19) VCF-style: chr10-70196948-T-C.
Other names: c.1466A>G (NM_001080449.2); short protein forms K489R.
Identifiers: ClinVar variation 3697890 (VCV003697890.3).

ClinVar aggregate classification (germline): Uncertain significance. Review status: criteria provided, multiple submitters, no conflicts (2 of 4 stars). 2 submissions from 2 submitters: Uncertain significance (2). Last evaluated 2026-03-18.

gnomAD v4.1: 11 of 1,613,196 alleles (0.00068%); highest among the groups gnomAD compares: Non-Finnish European, 0.00093%; no homozygotes.

Submissions (2):

GeneDx
Classification: Uncertain significance. Last evaluated: 2026-03-18. Review status: criteria provided, single submitter. Criteria: GeneDx Variant Classification Process June 2021. Collection method: clinical testing. Allele origin: germline.
Comment: Not observed at significant frequency in large population cohorts (gnomAD); In silico analysis supports a deleterious effect on splicing; In silico analysis suggests that this missense variant does not alter protein structure/function; Has not been previously published as pathogenic or benign to our knowledge

Labcorp Genetics (formerly Invitae), Labcorp
Classification: Uncertain significance. Last evaluated: 2025-01-29. Review status: criteria provided, single submitter. Criteria: Invitae Variant Classification Sherloc (09022015). Collection method: clinical testing. Allele origin: germline.
Comment: This sequence change replaces lysine, which is basic and polar, with arginine, which is basic and polar, at codon 489 of the DNA2 protein (p.Lys489Arg). This variant is not present in population databases (gnomAD no frequency). This variant has not been reported in the literature in individuals affected with DNA2-related conditions. Invitae Evidence Modeling of protein sequence and biophysical properties (such as structural, functional, and spatial information, amino acid conservation, physicochemical variation, residue mobility, and thermodynamic stability) indicates that this missense variant is not expected to disrupt DNA2 protein function with a negative predictive value of 80%. Algorithms developed to predict the effect of sequence changes on RNA splicing suggest that this variant may disrupt the consensus splice site. In summary, the available evidence is currently insufficient to determine the role of this variant in disease. Therefore, it has been classified as a Variant of Uncertain Significance.